The following is an entry in ClinVar:

NM_001145026.2(PTPRQ):c.101T>G (p.Ile34Ser)

Gene: PTPRQ (protein tyrosine phosphatase receptor type Q; plus strand). Cytogenetic location: 12q21.31.
Variant type: single nucleotide variant.
Coding change: c.101T>G on transcript NM_001145026.2 (MANE Select); coding-DNA position 101, T replaced by G.
Protein change: p.Ile34Ser; replaces isoleucine 34 with serine.
Molecular consequence: missense variant.
Genome position (GRCh38, 1-based): chr12:80,444,787, T>G. VCF-style: chr12-80444787-T-G. GRCh37 (hg19) VCF-style: chr12-80838567-T-G.
Other names: short protein forms I34S.
Identifiers: ClinVar variation 1878739 (VCV001878739.1), dbSNP rs1009535082, ClinGen allele CA240213358.
Genomic context (GRCh38, chr12:80,444,787, plus strand): 5'-TTGTGGTGTTCTAGGTTGATGTTTCCAATGTCGTTCCTGGTACTAGGTACGATATAACCA[T>G]CTCTTCAATTTCTACAACATACACCTCACCTGTTACTAGAATAGTGACAACAAATGTAAC-3'
Protein context (NP_001138498.1, residues 24-44): VVPGTRYDIT[Ile34Ser]SSISTTYTSP

ClinVar aggregate classification (germline): Uncertain significance (1 of 4 stars; one submission).

Allele frequency attached by ClinVar (database versions not stated): gnomAD exomes below 0.00001; TOPMed below 0.00001; gnomAD 0.00001.
gnomAD v4.1: 3 of 1,540,150 alleles (0.00019%); highest among the groups gnomAD compares: Non-Finnish European, 0.00018%; no homozygotes.

Submission:

GeneDx
Classification: Uncertain significance. Last evaluated: 2022-07-12. Review status: criteria provided, single submitter. Criteria: GeneDx Variant Classification Process June 2021. Collection method: clinical testing. Allele origin: germline. Affected: yes.
Comment: Not observed at significant frequency in large population cohorts (gnomAD); In silico analysis supports that this missense variant has a deleterious effect on protein structure/function; Has not been previously published as pathogenic or benign to our knowledge